The following is an entry in ClinVar:

ClinVar aggregate classification (germline): Likely benign. Review status: criteria provided, multiple submitters, no conflicts (2 of 4 stars). 2 submissions from 2 submitters: Likely benign (2). Last evaluated 2025-04-25.

Conditions:
NR1H4-related disorder. Also called: NR1H4-related condition.

Allele frequency attached by ClinVar (database versions not stated): TOPMed 0.00002; ExAC 0.00005; 1000 Genomes Project 30x 0.00016.
gnomAD v4.1: 77 of 1,614,244 alleles (0.0048%); highest among the groups gnomAD compares: South Asian, 0.076%; 1 homozygote.

Submissions (2):

PreventionGenetics, part of Exact Sciences
Classification: Likely benign for NR1H4-related condition. Last evaluated: 2025-04-25. Review status: criteria provided, single submitter. Criteria: ACMG Guidelines, 2015. Collection method: clinical testing. Allele origin: germline.
Comment: This variant is classified as likely benign based on ACMG/AMP sequence variant interpretation guidelines (Richards et al. 2015 PMID: 25741868, with internal and published modifications).

Labcorp Genetics (formerly Invitae), Labcorp
Classification: Likely benign. Last evaluated: 2022-06-17. Review status: criteria provided, single submitter. Criteria: Invitae Variant Classification Sherloc (09022015). Collection method: clinical testing. Allele origin: germline.

NM_001206979.2(NR1H4):c.426G>A (p.Leu142=)

Gene: NR1H4 (nuclear receptor subfamily 1 group H member 4; plus strand). Cytogenetic location: 12q23.1.
Variant type: single nucleotide variant.
Coding change: c.426G>A on transcript NM_001206979.2 (MANE Select); coding-DNA position 426, G replaced by A.
Protein change: p.Leu142=; no amino-acid change (leucine 142 retained).
Molecular consequence: synonymous variant. On other transcripts: non-coding transcript variant (1).
Genome position (GRCh38, 1-based): chr12:100,511,124, G>A. VCF-style: chr12-100511124-G-A. GRCh37 (hg19) VCF-style: chr12-100904902-G-A.
Other names: c.426G>A, p.Leu142= (NM_001206977.2, NM_001206978.2, NM_005123.4); c.456G>A, p.Leu152= (NM_001206992.2, NM_001206993.2); c.426G>A (NM_005123.3).
Identifiers: ClinVar variation 2190968 (VCV002190968.5), dbSNP rs781560252, ClinGen allele CA6739234.